The following is an entry in ClinVar:

ClinVar aggregate classification (germline): Uncertain significance (1 of 4 stars; one submission).

Conditions:
Hereditary cancer-predisposing syndrome. Also called: Tumor predisposition; Hereditary neoplastic syndrome; Hereditary Cancer Syndrome; Neoplastic Syndromes, Hereditary. Identifiers: Orphanet 140162, MedGen C0027672, MeSH D009386, MONDO:0015356.

Submission:

Ambry Genetics
Classification: Uncertain significance for Hereditary cancer-predisposing syndrome. Last evaluated: 2024-01-16. Review status: criteria provided, single submitter. Criteria: Ambry Variant Classification Scheme 2023. Collection method: clinical testing. Allele origin: germline.
Comment: The p.I146M variant (also known as c.438T>G), located in coding exon 4 of the EPCAM gene, results from a T to G substitution at nucleotide position 438. The isoleucine at codon 146 is replaced by methionine, an amino acid with highly similar properties. This amino acid position is conserved. In addition, the in silico prediction for this alteration is inconclusive. Since supporting evidence is limited at this time, the clinical significance of this alteration remains unclear.

NM_002354.3(EPCAM):c.438T>G (p.Ile146Met)

Gene: EPCAM (epithelial cell adhesion molecule; plus strand). Cytogenetic location: 2p21.
Variant type: single nucleotide variant.
Coding change: c.438T>G on transcript NM_002354.3 (MANE Select); coding-DNA position 438, T replaced by G.
Protein change: p.Ile146Met; replaces isoleucine 146 with methionine.
Molecular consequence: missense variant.
Genome position (GRCh38, 1-based): chr2:47,375,246, T>G. VCF-style: chr2-47375246-T-G. GRCh37 (hg19) VCF-style: chr2-47602385-T-G.
Other names: short protein forms I146M.
Identifiers: ClinVar variation 3222113 (VCV003222113.1), dbSNP rs2465460579, ClinGen allele CA346723555.